The following is an entry in ClinVar:

NM_000061.3(BTK):c.215dup (p.Asn72fs)

Gene: BTK (Bruton tyrosine kinase; minus strand). Cytogenetic location: Xq22.1.
Variant type: Duplication.
Coding change: c.215dup on transcript NM_000061.3 (MANE Select); coding-DNA position 215, one base duplicated (A; older notation c.215dupA).
Protein change: p.Asn72fs; shifts the reading frame from asparagine 72.
Molecular consequence: frameshift variant.
Genome position (GRCh38, 1-based): chrX:101,374,561, T duplicated on the plus strand (A on the coding strand, the reverse complement: BTK is on the minus strand); the first of 7 consecutive T bases (chrX:101,374,561-101,374,567); duplicating any one gives the same sequence. VCF-style (leftmost placement, unchanged base first): chrX-101374560-A-AT. GRCh37 (hg19) VCF-style: chrX-100629548-A-AT.
Other names: c.215dupA (NM_000061.2); c.317dup, p.Asn106fs (NM_001287344.2); c.215dup, p.Asn72fs (NM_001287345.2); short protein forms N72fs, N106fs.
Identifiers: ClinVar variation 279713 (VCV000279713.12), dbSNP rs886041148, ClinGen allele CA10603700.

ClinVar aggregate classification (germline): Pathogenic. Review status: criteria provided, multiple submitters, no conflicts (2 of 4 stars). 3 submissions from 3 submitters: Pathogenic (3). Last evaluated 2025-08-03.

Conditions:
X-linked agammaglobulinemia (XLA). Also called: Agammaglobulinemia, Bruton tyrosine kinase; Agammaglobulinemia, BTK; BTK-deficiency; Bruton-type agammaglobulinemia; Bruton's agammaglobulinemia; AGAMMAGLOBULINEMIA, X-LINKED, TYPE 1. Identifiers: Orphanet 229717, Orphanet 47, MedGen C0221026, MONDO:0010421, OMIM 300755.
X-linked agammaglobulinemia with growth hormone deficiency (IGHD3). Also called: Isolated growth hormone deficiency type 3; Growth hormone deficiency with hypogammaglobulinemia; AGAMMAGLOBULINEMIA AND ISOLATED GROWTH HORMONE DEFICIENCY, X-LINKED; FLEISHER SYNDROME; HYPOGAMMAGLOBULINEMIA AND ISOLATED GROWTH HORMONE DEFICIENCY, X-LINKED; ISOLATED GROWTH HORMONE DEFICIENCY, TYPE III, WITH AGAMMAGLOBULINEMIA. Identifiers: Orphanet 231692, Orphanet 631, MedGen C0472813, MONDO:0010615, OMIM 307200.

Submissions (3):

Labcorp Genetics (formerly Invitae), Labcorp
Classification: Pathogenic for X-linked agammaglobulinemia with growth hormone deficiency. Last evaluated: 2025-08-03. Review status: criteria provided, single submitter. Criteria: Invitae Variant Classification Sherloc (09022015). Collection method: clinical testing. Allele origin: germline.
Comment: This sequence change creates a premature translational stop signal (p.Asn72Lysfs*13) in the BTK gene. It is expected to result in an absent or disrupted protein product. Loss-of-function variants in BTK are known to be pathogenic (PMID: 15661032, 16862044, 19419768). This variant is not present in population databases (gnomAD no frequency). This premature translational stop signal has been observed in individual(s) with X-linked agammaglobulinemia (PMID: 7633429, 10737994, 12655572). This variant is also known as 341insA, 341-347insA, 347_348insA, and N72fsX84. ClinVar contains an entry for this variant (Variation ID: 279713). For these reasons, this variant has been classified as Pathogenic.

Women's Health and Genetics/Laboratory Corporation of America, LabCorp
Classification: Pathogenic for X-linked agammaglobulinemia. Last evaluated: 2018-08-10. Review status: criteria provided, single submitter. Criteria: LabCorp Variant Classification Summary - May 2015. Collection method: clinical testing. Allele origin: germline.
Comment: Variant summary: BTK c.215dupA (p.Asn72LysfsX13) is an insertion of an A into a run of seven As that results in a premature termination codon, predicted to cause a truncation of the encoded protein or absence of the protein due to nonsense mediated decay, which are commonly known mechanisms for disease. The variant was absent in 21737 control chromosomes (gnbomAD and publications). The variant, c.215dupA, has been reported in the literature in multiple individuals affected with X-linked Agammaglobulinemia (Gaspar_1995, Yip_2000, Danielian_2003). These data indicate that the variant is very likely to be associated with disease. To our knowledge, no experimental evidence demonstrating an impact on protein function has been reported. One clinical diagnostic laboratory has submitted clinical-significance assessments for this variant to ClinVar after 2014 without evidence for independent evaluation and classified the variant as pathogenic. Based on the evidence outlined above, the variant was classified as pathogenic.

GeneDx
Classification: Pathogenic. Last evaluated: 2018-02-09. Review status: criteria provided, single submitter. Criteria: GeneDx Variant Classification (06012015). Collection method: clinical testing. Allele origin: germline. Affected: yes.
Comment: The c.215dupA pathogenic variant in the BTK gene has been reported previously in association with X-linked agammaglobulinemia (XLA) (Gaspar et al., 1995; Yip et al., 2000; Daneilian et al., 2003; Lee et al., 2010). This duplication causes a frameshift starting with codon Asparagine 72, changes this amino acid to a Lysine residue and creates a premature Stop codon at position 13 of the new reading frame, denoted p.Asn72LysfsX13. This pathogenic variant is predicted to cause loss of normal protein function either through protein truncation or nonsense-mediated mRNA decay. The c.215dupA variant is not observed in large population cohorts (Lek et al., 2016). We interpret this variant as pathogenic.

Literature cited by the submitters: PubMed 15661032 (cited by Labcorp Genetics (formerly Invitae), Labcorp); PubMed 16862044 (cited by Labcorp Genetics (formerly Invitae), Labcorp); PubMed 19419768 (cited by Labcorp Genetics (formerly Invitae), Labcorp); PubMed 7633429 (cited by Labcorp Genetics (formerly Invitae), Labcorp and Women's Health and Genetics/Laboratory Corporation of America, LabCorp); PubMed 10737994 (cited by Labcorp Genetics (formerly Invitae), Labcorp and Women's Health and Genetics/Laboratory Corporation of America, LabCorp); PubMed 12655572 (cited by Labcorp Genetics (formerly Invitae), Labcorp and Women's Health and Genetics/Laboratory Corporation of America, LabCorp).